The following is an entry in ClinVar:

ClinVar aggregate classification (germline): Uncertain significance. Review status: criteria provided, multiple submitters, no conflicts (2 of 4 stars). 2 submissions from 2 submitters: Uncertain significance (2). Last evaluated 2023-09-01.

Conditions:
Inosine triphosphatase deficiency. Also called: INOSINE TRIPHOSPHATE PYROPHOSPHOHYDROLASE DEFICIENCY. Identifiers: MedGen C0342800, MONDO:0013461, OMIM 613850.

Allele frequency attached by ClinVar (database versions not stated): gnomAD 0.00010 and 0.00009; gnomAD exomes 0.00013 and 0.00035; 1000 Genomes Project 30x 0.00016; ExAC 0.00008; ESP Exome Variant Server 0.00008; TOPMed 0.00009; 1000 Genomes Project 0.00020.

Submissions (2):

Blueprint Genetics
Classification: Uncertain significance. Last evaluated: 2023-09-01. Review status: criteria provided, single submitter. Criteria: ACMG Guidelines, 2015. Collection method: clinical testing. Allele origin: germline.

Labcorp Genetics (formerly Invitae), Labcorp
Classification: Uncertain significance for Inosine triphosphatase deficiency. Last evaluated: 2022-07-26. Review status: criteria provided, single submitter. Criteria: Invitae Variant Classification Sherloc (09022015). Collection method: clinical testing. Allele origin: germline.
Comment: This sequence change replaces cysteine, which is neutral and slightly polar, with tyrosine, which is neutral and polar, at codon 57 of the ITPA protein (p.Cys57Tyr). This variant is present in population databases (rs138760860, gnomAD 0.02%). This variant has not been reported in the literature in individuals affected with ITPA-related conditions. ClinVar contains an entry for this variant (Variation ID: 568056). Algorithms developed to predict the effect of missense changes on protein structure and function are either unavailable or do not agree on the potential impact of this missense change (SIFT: "Deleterious"; PolyPhen-2: "Probably Damaging"; Align-GVGD: "Class C0"). In summary, the available evidence is currently insufficient to determine the role of this variant in disease. Therefore, it has been classified as a Variant of Uncertain Significance.

NM_033453.4(ITPA):c.170G>A (p.Cys57Tyr)

Gene: ITPA (inosine triphosphatase; plus strand). Cytogenetic location: 20p13.
Variant type: single nucleotide variant.
Coding change: c.170G>A on transcript NM_033453.4 (MANE Select); coding-DNA position 170, G replaced by A.
Protein change: p.Cys57Tyr; replaces cysteine 57 with tyrosine.
Molecular consequence: missense variant. On other transcripts: 5 prime UTR variant (4), intron variant (1).
Genome position (GRCh38, 1-based): chr20:3,213,364, G>A. VCF-style: chr20-3213364-G-A. GRCh37 (hg19) VCF-style: chr20-3194010-G-A.
Other names: c.-168G>A (NM_001324236.2, NM_001324237.2, NM_001324238.2 and 1 more transcripts); c.170G>A, p.Cys57Tyr (NM_001324240.2); c.119G>A, p.Cys40Tyr (NM_181493.4); c.67-621G>A (NM_001267623.2); short protein forms C57Y, C40Y.
Identifiers: ClinVar variation 568056 (VCV000568056.9), dbSNP rs138760860, ClinGen allele CA9741187.